The following is an entry in ClinVar:

ClinVar aggregate classification (germline): Likely pathogenic. Review status: criteria provided, multiple submitters, no conflicts (2 of 4 stars). 2 submissions from 2 submitters: Likely pathogenic (2). Last evaluated 2025-02-17.

Conditions:
Autosomal recessive nonsyndromic hearing loss 18A. Also called: DEAFNESS, AUTOSOMAL RECESSIVE 18; Deafness, autosomal recessive 18A. Identifiers: Orphanet 90636, MedGen C1865870, MONDO:0011192, OMIM 602092.
Usher syndrome type 1C. Also called: USHER SYNDROME, TYPE I, ACADIAN VARIETY. Identifiers: Orphanet 231169, Orphanet 886, MedGen C1848604, MONDO:0010171, OMIM 276904.

Submissions (2):

Natera, Inc.
Classification: Likely pathogenic for Usher syndrome type 1C. Last evaluated: 2025-02-17. Review status: criteria provided, single submitter. Criteria: Natera Variant Classification Schema (03/2026). Collection method: clinical testing. Allele origin: germline.
Comment: The c.1520del variant in USH1C is a frameshift variant predicted to shift the reading frame beginning at codon 507 and leads to a stop codon 4 codons downstream. This variant is expected to result in nonsense mediated decay, truncation, or a dysfunctional protein product. This variant is rare in the general population with a frequency below the threshold expected for the associated phenotype(s). Given the available evidence, this variant is classified as Likely Pathogenic.

Baylor Genetics
Classification: Likely pathogenic for Autosomal recessive nonsyndromic hearing loss 18A. Last evaluated: 2023-11-09. Review status: criteria provided, single submitter. Criteria: ACMG Guidelines, 2015. Collection method: clinical testing. Allele origin: unknown.

NM_153676.4(USH1C):c.2420del (p.Gly807fs)

Gene: USH1C (USH1 protein network component harmonin; minus strand). Cytogenetic location: 11p15.1.
Variant type: Deletion.
Coding change: c.2420del on transcript NM_153676.4 (MANE Select); coding-DNA position 2420, one base deleted (G; older notation c.2420delG).
Protein change: p.Gly807fs; shifts the reading frame from glycine 807.
Molecular consequence: frameshift variant. On other transcripts: non-coding transcript variant (1).
Genome position (GRCh38, 1-based): chr11:17,498,232, C deleted on the plus strand (G on the coding strand, the reverse complement: USH1C is on the minus strand); the first of 2 consecutive C bases (chr11:17,498,232-17,498,233); deleting either gives the same sequence. VCF-style (leftmost placement, unchanged base first): chr11-17498231-GC-G. GRCh37 (hg19) VCF-style: chr11-17519778-GC-G.
Other names: c.1463del, p.Gly488fs (NM_001297764.2); c.1520del, p.Gly507fs (NM_005709.4); c.1520del (NM_005709.3); short protein forms G488fs, G507fs, G807fs.
Identifiers: ClinVar variation 2679428 (VCV002679428.4), dbSNP rs748171099, ClinGen allele CA5904167.